The following is an entry in ClinVar:

ClinVar aggregate classification (germline): Uncertain significance (1 of 4 stars; one submission).

Conditions:
Perlman syndrome (PRLMNS). Identifiers: Orphanet 2849, MedGen C0796113, MONDO:0009965, OMIM 267000.

Submission:

Labcorp Genetics (formerly Invitae), Labcorp
Classification: Uncertain significance for Perlman syndrome. Last evaluated: 2020-10-05. Review status: criteria provided, single submitter. Criteria: Invitae Variant Classification Sherloc (09022015). Collection method: clinical testing. Allele origin: germline.
Comment: This sequence change replaces aspartic acid with glycine at codon 27 of the DIS3L2 protein (p.Asp27Gly). The aspartic acid residue is weakly conserved and there is a moderate physicochemical difference between aspartic acid and glycine. This variant is not present in population databases (ExAC no frequency). This variant has not been reported in the literature in individuals with DIS3L2-related conditions. Algorithms developed to predict the effect of missense changes on protein structure and function output the following: SIFT: "Tolerated"; PolyPhen-2: "Benign"; Align-GVGD: "Class C0". The glycine amino acid residue is found in multiple mammalian species, suggesting that this missense change does not adversely affect protein function. These predictions have not been confirmed by published functional studies and their clinical significance is uncertain. In summary, the available evidence is currently insufficient to determine the role of this variant in disease. Therefore, it has been classified as a Variant of Uncertain Significance.

NM_152383.5(DIS3L2):c.80A>G (p.Asp27Gly)

Gene: DIS3L2 (DIS3 like 3'-5' exoribonuclease 2; plus strand). Cytogenetic location: 2q37.1.
Variant type: single nucleotide variant.
Coding change: c.80A>G on transcript NM_152383.5 (MANE Select); coding-DNA position 80, A replaced by G.
Protein change: p.Asp27Gly; replaces aspartic acid 27 with glycine.
Molecular consequence: missense variant. On other transcripts: non-coding transcript variant (2).
Genome position (GRCh38, 1-based): chr2:232,015,541, A>G. VCF-style: chr2-232015541-A-G. GRCh37 (hg19) VCF-style: chr2-232880251-A-G.
Other names: c.80A>G, p.Asp27Gly (NM_001257281.2, NM_001257282.2); short protein forms D27G.
Identifiers: ClinVar variation 1010847 (VCV001010847.8), dbSNP rs1694329034, ClinGen allele CA351151862.